The following is an entry in ClinVar:

ClinVar aggregate classification (germline): Conflicting classifications of pathogenicity. Review status: criteria provided, conflicting classifications (1 of 4 stars). 4 submissions from 3 submitters: Uncertain significance (3); Benign (1). Last evaluated 2024-04-26.

Conditions:
WFS1-Related Spectrum Disorders.
Autosomal dominant nonsyndromic hearing loss 6 (LFSNHL). Also called: DEAFNESS, AUTOSOMAL DOMINANT 6; DEAFNESS, AUTOSOMAL DOMINANT 14; DEAFNESS, AUTOSOMAL DOMINANT 38; Autosomal dominant nonsyndromic deafness 6; DIDMOAD (Diabetes Insipidus, Diabetes Mellitus, Optic Atrophy, and Deafness). Identifiers: Orphanet 90635, MedGen C1833021, MONDO:0010963, OMIM 600965.
Wolfram syndrome 1 (WFS1). Identifiers: Orphanet 3463, MedGen C4551693, MONDO:0009101, OMIM 222300.

Allele frequency attached by ClinVar (database versions not stated): gnomAD 0.00003; TOPMed 0.00005; 1000 Genomes Project 30x 0.00016.

Submissions (4):

Revvity Omics, Revvity
Classification: Uncertain significance. Last evaluated: 2024-04-26. Review status: criteria provided, single submitter. Criteria: ACMG Guidelines, 2015. Collection method: clinical testing. Allele origin: germline.

Illumina Laboratory Services, Illumina
Classification: Uncertain significance for WFS1-Related Spectrum Disorders. Last evaluated: 2018-01-13. Review status: criteria provided, single submitter. Criteria: ICSL Variant Classification Criteria 13 December 2019. Collection method: clinical testing. Allele origin: germline.

Illumina Laboratory Services, Illumina
Classification: Uncertain significance for Autosomal dominant nonsyndromic hearing loss 6. Last evaluated: 2018-01-13. Review status: criteria provided, single submitter. Criteria: ICSL Variant Classification Criteria 13 December 2019. Collection method: clinical testing. Allele origin: germline.

Clinical Genomics, Uppaluri K&H Personalized Medicine Clinic
Classification: Benign for Wolfram syndrome 1. Review status: criteria provided, single submitter. Criteria: K & H Uppaluri Personalized Medicine Clinic Variant Classification & Assertion Criteria_Updated V.1. Collection method: research. Allele origin: unknown. Inheritance: Autosomal recessive inheritance.
Comment: Potent mutations in WFS1 gene are associated with Wolfram's syndrome, an autosomal recessive condition, which cause diabetes mellitus, diabetes insipidus, deafness and optic atrophy.However no sufficient evidence is found to ascertain the role of this particular variant rs868329184 yet.

Literature cited by the submitters: PubMed 20738327 (cited by Clinical Genomics, Uppaluri K&H Personalized Medicine Clinic); PubMed 33879153 (cited by Clinical Genomics, Uppaluri K&H Personalized Medicine Clinic); PubMed 12955714 (cited by Clinical Genomics, Uppaluri K&H Personalized Medicine Clinic); PubMed 18060660 (cited by Clinical Genomics, Uppaluri K&H Personalized Medicine Clinic); PubMed 20301750 (cited by Clinical Genomics, Uppaluri K&H Personalized Medicine Clinic); PubMed 17603484 (cited by Clinical Genomics, Uppaluri K&H Personalized Medicine Clinic).

NM_006005.3(WFS1):c.-106A>G

Genes: WFS1 (wolframin ER transmembrane glycoprotein; plus strand), LOC129992166 (ATAC-STARR-seq lymphoblastoid silent region 15229; plus strand). Cytogenetic location: 4p16.1.
Variant type: single nucleotide variant.
Coding change: c.-106A>G on transcript NM_006005.3 (MANE Select); 106 bases upstream of the start codon, A replaced by G.
Molecular consequence: 5 prime UTR variant.
Genome position (GRCh38, 1-based): chr4:6,269,914, A>G. VCF-style: chr4-6269914-A-G. GRCh37 (hg19) VCF-style: chr4-6271641-A-G.
Other names: c.-102A>G (NM_001145853.1).
Identifiers: ClinVar variation 349298 (VCV000349298.7), dbSNP rs868329184, ClinGen allele CA10621468.